The following is an entry in ClinVar:

NM_014989.7(RIMS1):c.4120G>A (p.Gly1374Ser)

Gene: RIMS1 (regulating synaptic membrane exocytosis 1; plus strand). Cytogenetic location: 6q13.
Variant type: single nucleotide variant.
Coding change: c.4120G>A on transcript NM_014989.7 (MANE Select); coding-DNA position 4120, G replaced by A.
Protein change: p.Gly1374Ser; replaces glycine 1374 with serine.
Molecular consequence: missense variant. On other transcripts: intron variant (24).
Genome position (GRCh38, 1-based): chr6:72,313,662, G>A. VCF-style: chr6-72313662-G-A. GRCh37 (hg19) VCF-style: chr6-73023365-G-A.
Other names: c.2029G>A, p.Gly677Ser (NM_001350435.2); c.2272G>A, p.Gly758Ser (NM_001350436.2); c.2023G>A, p.Gly675Ser (NM_001350437.2); c.2011G>A, p.Gly671Ser (NM_001350439.2); c.1813+21616G>A (NM_001350417.2); c.1741+21616G>A (NM_001168408.2, NM_001350430.2); c.1660+21616G>A (NM_001350426.2); c.1588+21616G>A (NM_001350455.2); and 51 more; short protein forms G538S, G590S, G600S, G643S, G670S, G680S, G681S, G694S.
Identifiers: ClinVar variation 1941921 (VCV001941921.6), dbSNP rs781577621, ClinGen allele CA3886440.

ClinVar aggregate classification (germline): Uncertain significance. Review status: criteria provided, multiple submitters, no conflicts (2 of 4 stars). 2 submissions from 2 submitters: Uncertain significance (2). Last evaluated 2022-08-22.

Allele frequency attached by ClinVar (database versions not stated): gnomAD exomes below 0.00001; ExAC 0.00001; gnomAD 0.00001; TOPMed 0.00001.
gnomAD v4.1: 6 of 1,611,870 alleles (0.00037%); highest among the groups gnomAD compares: Non-Finnish European, 0.00042%; no homozygotes.

Submissions (2):

Labcorp Genetics (formerly Invitae), Labcorp
Classification: Uncertain significance. Last evaluated: 2022-08-22. Review status: criteria provided, single submitter. Criteria: Invitae Variant Classification Sherloc (09022015). Collection method: clinical testing. Allele origin: germline.
Comment: In summary, the available evidence is currently insufficient to determine the role of this variant in disease. Therefore, it has been classified as a Variant of Uncertain Significance. Algorithms developed to predict the effect of missense changes on protein structure and function are either unavailable or do not agree on the potential impact of this missense change (SIFT: "Tolerated"; PolyPhen-2: "Possibly Damaging"; Align-GVGD: "Class C0"). This variant has not been reported in the literature in individuals affected with RIMS1-related conditions. This variant is present in population databases (rs781577621, gnomAD 0.002%). This sequence change replaces glycine, which is neutral and non-polar, with serine, which is neutral and polar, at codon 1374 of the RIMS1 protein (p.Gly1374Ser).

Ambry Genetics
Classification: Uncertain significance. Last evaluated: 2022-03-29. Review status: criteria provided, single submitter. Criteria: Ambry Variant Classification Scheme 2023. Collection method: clinical testing. Allele origin: germline.